The following is an entry in ClinVar:

ClinVar aggregate classification (germline): Uncertain significance (1 of 4 stars; one submission).

Conditions:
STING-associated vasculopathy with onset in infancy. Also called: Sting-associated vasculopathy, infantile-onset. Identifiers: Orphanet 425120, MedGen C4014722, MONDO:0014405, OMIM 615934.

Submission:

Labcorp Genetics (formerly Invitae), Labcorp
Classification: Uncertain significance for STING-associated vasculopathy with onset in infancy. Last evaluated: 2018-12-25. Review status: criteria provided, single submitter. Criteria: Invitae Variant Classification Sherloc (09022015). Collection method: clinical testing. Allele origin: germline.
Comment: This sequence change replaces isoleucine with serine at codon 132 of the TMEM173 protein (p.Ile132Ser). The isoleucine residue is weakly conserved and there is a large physicochemical difference between isoleucine and serine. This variant is not present in population databases (ExAC no frequency). This variant has not been reported in the literature in individuals with TMEM173-related conditions. Algorithms developed to predict the effect of missense changes on protein structure and function are either unavailable or do not agree on the potential impact of this missense change (SIFT: "Tolerated"; PolyPhen-2: "Possibly Damaging"; Align-GVGD: "Class C0"). In summary, the available evidence is currently insufficient to determine the role of this variant in disease. Therefore, it has been classified as a Variant of Uncertain Significance.

NM_198282.4(STING1):c.395T>G (p.Ile132Ser)

Genes: STING1 (stimulator of interferon response cGAMP interactor 1; minus strand), LOC123522803 (Sharpr-MPRA regulatory region 11914; plus strand). Cytogenetic location: 5q31.2.
Variant type: single nucleotide variant.
Coding change: c.395T>G on transcript NM_198282.4 (MANE Select); coding-DNA position 395, T replaced by G.
Protein change: p.Ile132Ser; replaces isoleucine 132 with serine.
Molecular consequence: missense variant.
Genome position (GRCh38, 1-based): chr5:139,481,175, A>C on the plus strand (T>G on the coding strand, the complement: STING1 is on the minus strand). VCF-style: chr5-139481175-A-C. GRCh37 (hg19) VCF-style: chr5-138860760-A-C.
Other names: c.395T>G, p.Ile132Ser (LRG_1308t1, NM_001301738.2); c.38T>G, p.Ile13Ser (NM_001367258.1); short protein forms I13S, I132S.
Identifiers: ClinVar variation 649502 (VCV000649502.9), dbSNP rs1346414429, ClinGen allele CA361481186.